The following is an entry in ClinVar:

ClinVar aggregate classification (germline): Benign. Review status: criteria provided, multiple submitters, no conflicts (2 of 4 stars). 15 submissions from 15 submitters: Benign (8). 7 of the submissions do not count toward it. Last evaluated 2026-02-04.

Conditions:
Arrhythmogenic right ventricular dysplasia 5. Also called: ARRHYTHMOGENIC RIGHT VENTRICULAR DYSPLASIA, FAMILIAL, 5; Arrhythmogenic Right Ventricular Dysplasia/Cardiomyopathy 5. Identifiers: MedGen C1858379, MONDO:0011459, OMIM 604400.
Auditory neuropathy, autosomal dominant 3 (AUNA3). Identifiers: MedGen C5676964, MONDO:0859235, OMIM 619832.
Emery-Dreifuss muscular dystrophy 7, autosomal dominant (EDMD7). Also called: Emery-Dreifuss muscular dystrophy 7, AD. Identifiers: Orphanet 261, MedGen C3553060, MONDO:0013677, OMIM 614302.
Cardiomyopathy (CMYO). Also called: Cardiomyopathies. Identifiers: Orphanet 167848, MedGen C0878544, MONDO:0004994, HP:0001638. Inheritance: Various modes of inheritance.

Allele frequency attached by ClinVar (database versions not stated): ExAC 0.00741; 1000 Genomes Project 0.02356; 1000 Genomes Project 30x 0.02514; gnomAD 0.02553; TOPMed 0.02662; ESP Exome Variant Server 0.02753; gnomAD exomes 0.00607.
gnomAD v4.1: 7,184 of 1,613,480 alleles (0.45%); highest among the groups gnomAD compares: African/African-American, 8.5%; 309 homozygotes.

Submissions (15):

Labcorp Genetics (formerly Invitae), Labcorp
Classification: Benign for Arrhythmogenic right ventricular dysplasia 5. Last evaluated: 2026-02-04. Review status: criteria provided, single submitter. Criteria: Invitae Variant Classification Sherloc (09022015). Collection method: clinical testing. Allele origin: germline.

ARUP Laboratories, Molecular Genetics and Genomics, ARUP Laboratories
Classification: Benign. Last evaluated: 2025-05-14. Review status: criteria provided, single submitter. Criteria: ARUP Molecular Germline Variant Investigation Process 2024. Collection method: clinical testing. Allele origin: germline.

All of Us Research Program, National Institutes of Health
Classification: Benign for Arrhythmogenic right ventricular dysplasia 5. Last evaluated: 2024-02-05. Review status: criteria provided, single submitter. Criteria: ACMG Guidelines, 2015. Collection method: clinical testing. Allele origin: germline. Inheritance: Autosomal dominant inheritance. Observed: 1,314 variant alleles, 1,264 heterozygotes, 50 homozygotes.
Comment: This study involves interpretation of variants in research participants for the purpose of population health screening. Participant phenotype was not available at the time of variant classification. Additional details can be found in publication PMID: 35346344, PMCID: PMC8962531

Fulgent Genetics
Classification: Benign for Arrhythmogenic right ventricular dysplasia 5; Emery-Dreifuss muscular dystrophy 7, autosomal dominant; Auditory neuropathy, autosomal dominant 3. Last evaluated: 2021-07-30. Review status: criteria provided, single submitter. Criteria: ACMG Guidelines, 2015. Collection method: clinical testing. Allele origin: unknown.

Color Diagnostics, LLC DBA Color Health
Classification: Benign for Cardiomyopathy. Last evaluated: 2018-03-26. Review status: criteria provided, single submitter. Criteria: ACMG Guidelines, 2015. Collection method: clinical testing. Allele origin: germline.

GeneDx
Classification: Benign. Last evaluated: 2013-07-26. Review status: criteria provided, single submitter. Criteria: GeneDx Variant Classification (06012015). Collection method: clinical testing. Allele origin: germline. Affected: yes.
Comment: This variant is considered likely benign or benign based on one or more of the following criteria: it is a conservative change, it occurs at a poorly conserved position in the protein, it is predicted to be benign by multiple in silico algorithms, and/or has population frequency not consistent with disease.

Laboratory for Molecular Medicine, Mass General Brigham Personalized Medicine
Classification: Benign. Last evaluated: 2012-05-10. Review status: criteria provided, single submitter. Criteria: LMM Criteria. Collection method: clinical testing. Allele origin: germline. Observed: 37 variant alleles.
Comment: 163-14C>T in intron 2 of TMEM43: This variant is not expected to have clinical s ignificance because it has been identified in 8% (302/3738) of African American chromosomes from a broad population by the NHLBI Exome Sequencing Project (dbSNP rs113745859)

PreventionGenetics, part of Exact Sciences
Classification: Benign. Review status: criteria provided, single submitter. Criteria: ACMG Guidelines, 2015. Collection method: clinical testing. Allele origin: germline.

Cohesion Phenomics
Classification: Benign for Cardiomyopathy. Last evaluated: 2022-09-23. Review status: no assertion criteria provided. Criteria: ACMG Guidelines, 2015. Collection method: clinical testing. Allele origin: germline. Affected: yes. Not counted in ClinVar's aggregate classification.

Women's Health and Genetics/Laboratory Corporation of America, LabCorp
Classification: Benign for Cardiomyopathy. Last evaluated: 2015-06-02. Review status: no assertion criteria provided. Collection method: clinical testing. Allele origin: germline. Not counted in ClinVar's aggregate classification.

Clinical Genetics DNA and cytogenetics Diagnostics Lab, Erasmus MC, Erasmus Medical Center
Classification: Benign. Review status: no assertion criteria provided. Collection method: clinical testing. Allele origin: germline. Affected: yes. Study: VKGL Data-share Consensus. Not counted in ClinVar's aggregate classification.

Clinical Genetics, Academic Medical Center
Classification: Benign. Review status: no assertion criteria provided. Collection method: clinical testing. Allele origin: germline. Affected: yes. Study: VKGL Data-share Consensus. Not counted in ClinVar's aggregate classification.

Diagnostic Laboratory, Department of Genetics, University Medical Center Groningen
Classification: Likely benign. Review status: no assertion criteria provided. Collection method: clinical testing. Allele origin: germline. Affected: yes. Study: VKGL Data-share Consensus. Not counted in ClinVar's aggregate classification.

Genome Diagnostics Laboratory, University Medical Center Utrecht
Classification: Benign. Review status: no assertion criteria provided. Collection method: clinical testing. Allele origin: germline. Affected: yes. Study: VKGL Data-share Consensus. Not counted in ClinVar's aggregate classification.

Joint Genome Diagnostic Labs from Nijmegen and Maastricht, Radboudumc and MUMC+
Classification: Benign. Review status: no assertion criteria provided. Collection method: clinical testing. Allele origin: germline. Affected: yes. Study: VKGL Data-share Consensus. Not counted in ClinVar's aggregate classification.

NM_024334.3(TMEM43):c.163-14C>T

Gene: TMEM43 (transmembrane protein 43; plus strand). Cytogenetic location: 3p25.1.
Variant type: single nucleotide variant.
Coding change: c.163-14C>T on transcript NM_024334.3 (MANE Select); 14 bases into the intron before coding-DNA position 163, C replaced by T.
Molecular consequence: intron variant.
Genome position (GRCh38, 1-based): chr3:14,130,808, C>T. VCF-style: chr3-14130808-C-T. GRCh37 (hg19) VCF-style: chr3-14172308-C-T.
Identifiers: ClinVar variation 36871 (VCV000036871.41), dbSNP rs113745859, ClinGen allele CA024607.
Genomic context (GRCh38, chr3:14,130,808, plus strand): 5'-AATACTTTGCAACAAGCACAGTCATGCTGAGCCACCCCTGAGCTGTTGAAATCCCCACTC[C>T]CCTTTGCTCCCAGGGCCGCGCATTGAAGACGGCAACCTCATTGGCTGAGGGGCTCTCGCT-3'